The following is an entry in ClinVar:

ClinVar aggregate classification (germline): Uncertain significance (1 of 4 stars; one submission).

Conditions:
Hereditary cancer-predisposing syndrome. Also called: Neoplastic Syndromes, Hereditary; Tumor predisposition; Hereditary neoplastic syndrome; Hereditary Cancer Syndrome. Identifiers: Orphanet 140162, MedGen C0027672, MeSH D009386, MONDO:0015356.

Submission:

Ambry Genetics
Classification: Uncertain significance for Hereditary cancer-predisposing syndrome. Last evaluated: 2026-07-06. Review status: criteria provided, single submitter. Criteria: Ambry Variant Classification Scheme 2023. Collection method: clinical testing. Allele origin: germline.
Comment: The p.F916L variant (also known as c.2746T>C), located in coding exon 4 of the MSH6 gene, results from a T to C substitution at nucleotide position 2746. The phenylalanine at codon 916 is replaced by leucine, an amino acid with highly similar properties. This amino acid position is conserved. In addition, this alteration is predicted to be deleterious by in silico analysis. Based on the available evidence, the clinical significance of this variant remains unclear.

NM_000179.3(MSH6):c.2746T>C (p.Phe916Leu)

Gene: MSH6 (mutS homolog 6; plus strand). Cytogenetic location: 2p16.3.
Variant type: single nucleotide variant.
Coding change: c.2746T>C on transcript NM_000179.3 (MANE Select); coding-DNA position 2746, T replaced by C.
Protein change: p.Phe916Leu; replaces phenylalanine 916 with leucine.
Molecular consequence: missense variant. On other transcripts: non-coding transcript variant (5), intron variant (2).
Genome position (GRCh38, 1-based): chr2:47,800,729, T>C. VCF-style: chr2-47800729-T-C. GRCh37 (hg19) VCF-style: chr2-48027868-T-C.
Other names: c.1840T>C, p.Phe614Leu (NM_001406815.1, NM_001406816.1, NM_001406823.1 and 6 more transcripts); c.2449T>C, p.Phe817Leu (NM_001406818.1, NM_001406819.1, NM_001406820.1 and 10 more transcripts); c.2356T>C, p.Phe786Leu (NM_001281492.2); c.2842T>C, p.Phe948Leu (NM_001406795.1, NM_001406802.1); c.2746T>C, p.Phe916Leu (NM_001406796.1, NM_001406798.1, NM_001406800.1 and 2 more transcripts); c.2221T>C, p.Phe741Leu (NM_001406799.1, NM_001406806.1, NM_001406807.1); c.2668T>C, p.Phe890Leu (NM_001406804.1); c.2752T>C, p.Phe918Leu (NM_001406813.1); and 4 more; short protein forms F786L, F890L, F948L, F741L, F817L, F916L, F614L, F860L.
Identifiers: ClinVar variation 5024889 (VCV005024889.1).
Genomic context (GRCh38, chr2:47,800,729, plus strand): 5'-AAAAATCCTGAAGGTCGTTTTCCTGATTTGACTGTAGAATTGAACCGATGGGATACAGCC[T>C]TTGACCATGAAAAGGCTCGAAAGACTGGACTTATTACTCCCAAAGCAGGCTTTGACTCTG-3'
Protein context (NP_000170.1, residues 906-926): TVELNRWDTA[Phe916Leu]DHEKARKTGL